The following is an entry in ClinVar:

ClinVar aggregate classification (germline): Benign/Likely benign. Review status: criteria provided, multiple submitters, no conflicts (2 of 4 stars). 10 submissions from 10 submitters: Benign (5); Likely benign (1). 4 of the submissions do not count toward it. Last evaluated 2021-07-14.

Conditions:
Distal arthrogryposis type 2B1 (DA2B1). Also called: Arthrogryposis multiplex congenita distal type II with craniofacial abnormalities. Identifiers: Orphanet 1147, MedGen C5193014, MONDO:0020820, OMIM 601680.

Allele frequency attached by ClinVar (database versions not stated): ESP Exome Variant Server 0.80324; TOPMed 0.81499; 1000 Genomes Project 30x 0.81964; gnomAD 0.82025 and 0.82620; 1000 Genomes Project 0.82768.
gnomAD v4.1: 1,403,128 of 1,611,762 alleles (87%); highest among the groups gnomAD compares: East Asian, 99%; 613,286 homozygotes.

Submissions (10):

Genome-Nilou Lab
Classification: Benign for Distal arthrogryposis type 2B1. Last evaluated: 2021-07-14. Review status: criteria provided, single submitter. Criteria: ACMG Guidelines, 2015. Collection method: clinical testing. Allele origin: germline. Affected: no.

Illumina Laboratory Services, Illumina
Classification: Benign for Distal arthrogryposis type 2B1. Last evaluated: 2018-01-12. Review status: criteria provided, single submitter. Criteria: ICSL Variant Classification Criteria 13 December 2019. Collection method: clinical testing. Allele origin: germline.
Comment: This variant was observed in the ICSL laboratory as part of a predisposition screen in an ostensibly healthy population. It had not been previously curated by ICSL or reported in the Human Gene Mutation Database (HGMD: prior to June 1st, 2018), and was therefore a candidate for classification through an automated scoring system. Utilizing variant allele frequency, disease prevalence and penetrance estimates, and inheritance mode, an automated score was calculated to assess if this variant is too frequent to cause the disease. Based on the score and internal cut-off values, a variant classified as benign is not then subjected to further curation. The score for this variant resulted in a classification of benign for this disease.

Eurofins Ntd Llc (ga)
Classification: Benign. Last evaluated: 2016-04-25. Review status: criteria provided, single submitter. Criteria: EGL Classification Definitions 2015. Collection method: clinical testing. Allele origin: germline. Observed: 17 variant alleles, 5 heterozygotes, 12 homozygotes.

GeneDx
Classification: Benign. Last evaluated: 2016-01-05. Review status: criteria provided, single submitter. Criteria: GeneDx Variant Classification (06012015). Collection method: clinical testing. Allele origin: germline. Affected: yes.
Comment: This variant is considered likely benign or benign based on one or more of the following criteria: it is a conservative change, it occurs at a poorly conserved position in the protein, it is predicted to be benign by multiple in silico algorithms, and/or has population frequency not consistent with disease.

Breakthrough Genomics
Classification: Likely benign. Review status: criteria provided, single submitter. Criteria: ACMG Guidelines, 2015. Collection method: not provided. Allele origin: germline. Inheritance: Autosomal dominant inheritance. Affected: yes.

PreventionGenetics, part of Exact Sciences
Classification: Benign. Review status: criteria provided, single submitter. Criteria: ACMG Guidelines, 2015. Collection method: clinical testing. Allele origin: germline.

Clinical Genetics, Academic Medical Center
Classification: Benign. Review status: no assertion criteria provided. Collection method: clinical testing. Allele origin: germline. Affected: yes. Study: VKGL Data-share Consensus. Not counted in ClinVar's aggregate classification.

Diagnostic Laboratory, Department of Genetics, University Medical Center Groningen
Classification: Benign for Distal arthrogryposis type 2B1. Review status: no assertion criteria provided. Collection method: clinical testing. Allele origin: germline. Affected: yes. Study: VKGL Data-share Consensus. Not counted in ClinVar's aggregate classification.

Genetic Services Laboratory, University of Chicago
Classification: Likely benign for AllHighlyPenetrant. Review status: no assertion criteria provided. Collection method: clinical testing. Allele origin: germline. Inheritance: Autosomal dominant inheritance. Not counted in ClinVar's aggregate classification.
Comment: Likely benign based on allele frequency in 1000 Genomes Project or ESP global frequency and its presence in a patient with a rare or unrelated disease phenotype. NOT Sanger confirmed.

TNNI2 homepage - Leiden Muscular Dystrophy pages
No classification provided. Review status: no classification provided. Collection method: not provided. Allele origin: germline. Not counted in ClinVar's aggregate classification.
Comment: no known functional consequence

NM_003282.4(TNNI2):c.60T>C (p.Ser20=)

Gene: TNNI2 (troponin I2, fast skeletal type; plus strand). Cytogenetic location: 11p15.5.
Variant type: single nucleotide variant.
Coding change: c.60T>C on transcript NM_003282.4 (MANE Select); coding-DNA position 60, T replaced by C.
Protein change: p.Ser20=; no amino-acid change (serine 20 retained).
Molecular consequence: synonymous variant.
Genome position (GRCh38, 1-based): chr11:1,840,530, T>C. VCF-style: chr11-1840530-T-C. GRCh37 (hg19) VCF-style: chr11-1861760-T-C.
Other names: c.60T>C, p.Ser20= (NM_001145829.2, NM_001145841.2).
Identifiers: ClinVar variation 94120 (VCV000094120.20), dbSNP rs907610, ClinGen allele CA147635.